The following is an entry in ClinVar:

ClinVar aggregate classification (germline): Uncertain significance (1 of 4 stars; one submission).

Submission:

Women's Health and Genetics/Laboratory Corporation of America, LabCorp
Classification: Uncertain significance. Last evaluated: 2026-04-28. Review status: criteria provided, single submitter. Criteria: LabCorp Variant Classification Summary - May 2015. Collection method: clinical testing. Allele origin: germline.
Comment: Variant summary: PKD1 c.10955T>C (p.Phe3652Ser) results in a non-conservative amino acid change in the encoded protein sequence. Algorithms developed to predict the effect of missense changes on protein structure and function are either unavailable or do not agree on the potential impact of this missense change. The variant was absent in 240340 control chromosomes. The available data on variant occurrences in the general population are insufficient to allow any conclusion about variant significance. To our knowledge, no occurrence of c.10955T>C in individuals affected with PKD1-related conditions and no experimental evidence demonstrating its impact on protein function have been reported. No submitters have cited clinical-significance assessments for this variant to ClinVar. Based on the evidence outlined above, the variant was classified as uncertain significance.

NM_001009944.3(PKD1):c.10955T>C (p.Phe3652Ser)

Genes: PKD1 (polycystin 1, transient receptor potential channel interacting; minus strand), PKD1-AS1 (PKD1 antisense RNA 1; plus strand). Cytogenetic location: 16p13.3.
Variant type: single nucleotide variant.
Coding change: c.10955T>C on transcript NM_001009944.3 (MANE Select); coding-DNA position 10955, T replaced by C.
Protein change: p.Phe3652Ser; replaces phenylalanine 3652 with serine.
Molecular consequence: missense variant.
Genome position (GRCh38, 1-based): chr16:2,093,605, A>G on the plus strand (T>C on the coding strand, the complement: PKD1 is on the minus strand). VCF-style: chr16-2093605-A-G. GRCh37 (hg19) VCF-style: chr16-2143606-A-G.
Other names: c.10952T>C, p.Phe3651Ser (NM_000296.4); short protein forms F3651S, F3652S.
Identifiers: ClinVar variation 4848894 (VCV004848894.1).